The following is an entry in ClinVar:

NM_001378418.1(TCF20):c.191C>T (p.Ala64Val)

Gene: TCF20 (transcription factor 20; minus strand). Cytogenetic location: 22q13.2.
Variant type: single nucleotide variant.
Coding change: c.191C>T on transcript NM_001378418.1 (MANE Select); coding-DNA position 191, C replaced by T.
Protein change: p.Ala64Val; replaces alanine 64 with valine.
Molecular consequence: missense variant.
Genome position (GRCh38, 1-based): chr22:42,215,115, G>A on the plus strand (C>T on the coding strand, the complement: TCF20 is on the minus strand). VCF-style: chr22-42215115-G-A. GRCh37 (hg19) VCF-style: chr22-42611121-G-A.
Other names: c.191C>T, p.Ala64Val (NM_005650.4, NM_181492.3); c.191C>T (NM_005650.2); short protein forms A64V.
Identifiers: ClinVar variation 1508101 (VCV001508101.31), dbSNP rs199530245, ClinGen allele CA10267418.
Genomic context (GRCh38, chr22:42,215,115, plus strand): 5'-TTCCTGAAACCCTGGTAACCTTGATGGCCAGAGGTCTCGCTAGCCATCGCTGCCGCAGCA[G>A]CTGCTGCTCCTCGTCGTCCACCACCACTGCCACTGCCACTGCTGCCACTACTGCCACCTG-3'
Protein context (NP_001365347.1, residues 54-74): GSGGGRRGAA[Ala64Val]AAAAMASETS

ClinVar aggregate classification (germline): Conflicting classifications of pathogenicity. Review status: criteria provided, conflicting classifications (1 of 4 stars). 3 submissions from 3 submitters: Uncertain significance (1); Benign (1); Likely benign (1). Last evaluated 2025-10-08.

Conditions:
Developmental delay with variable intellectual impairment and behavioral abnormalities. Identifiers: MedGen C5193092, MONDO:0032745, OMIM 618430.

Allele frequency attached by ClinVar (database versions not stated): ESP Exome Variant Server 0.00008; gnomAD 0.00012 and 0.00014; ExAC 0.00013; gnomAD exomes 0.00013; TOPMed 0.00023.
gnomAD v4.1: 241 of 1,614,072 alleles (0.015%); highest among the groups gnomAD compares: Middle Eastern, 0.033%; no homozygotes.

Submissions (3):

Labcorp Genetics (formerly Invitae), Labcorp
Classification: Benign. Last evaluated: 2025-10-08. Review status: criteria provided, single submitter. Criteria: Invitae Variant Classification Sherloc (09022015). Collection method: clinical testing. Allele origin: germline.

CeGaT Center for Human Genetics Tuebingen
Classification: Likely benign. Last evaluated: 2024-12-01. Review status: criteria provided, single submitter. Criteria: CeGaT Center For Human Genetics Tuebingen Variant Classification Criteria Version 2. Collection method: clinical testing. Allele origin: germline. Affected: yes. Observed: 2 variant alleles.
Comment: TCF20: BS1

Juno Genomics, Hangzhou Juno Genomics, Inc
Classification: Uncertain significance for Developmental delay with variable intellectual impairment and behavioral abnormalities. Review status: criteria provided, single submitter. Criteria: ACMG Guidelines, 2015. Collection method: clinical testing. Allele origin: germline. Affected: yes.
Comment: Absent from controls (or at extremely low frequency if recessive) in Genome Aggregation Database, Exome Sequencing Project, 1000 Genomes Project, or Exome Aggregation Consortium.